The following is an entry in ClinVar:

NM_014679.5(CEP57):c.1028G>C (p.Ser343Thr)

Gene: CEP57 (centrosomal protein 57; plus strand). Cytogenetic location: 11q21.
Variant type: single nucleotide variant.
Coding change: c.1028G>C on transcript NM_014679.5 (MANE Select); coding-DNA position 1028, G replaced by C.
Protein change: p.Ser343Thr; replaces serine 343 with threonine.
Molecular consequence: missense variant.
Genome position (GRCh38, 1-based): chr11:95,827,928, G>C. VCF-style: chr11-95827928-G-C. GRCh37 (hg19) VCF-style: chr11-95561092-G-C.
Other names: c.1028G>C (NM_014679.4); c.1001G>C, p.Ser334Thr (NM_001243776.2); c.950G>C, p.Ser317Thr (NM_001243777.2); c.947G>C, p.Ser316Thr (NM_001363604.2); short protein forms S316T, S317T, S334T, S343T.
Identifiers: ClinVar variation 1010370 (VCV001010370.9), dbSNP rs527528444, ClinGen allele CA226586325.

ClinVar aggregate classification (germline): Uncertain significance. Review status: criteria provided, multiple submitters, no conflicts (2 of 4 stars). 2 submissions from 2 submitters: Uncertain significance (2). Last evaluated 2025-05-02.

Conditions:
Mosaic variegated aneuploidy syndrome 2 (MVA2). Identifiers: Orphanet 1052, MedGen C3279843, MONDO:0013582, OMIM 614114.
Inborn genetic diseases. Identifiers: MedGen C0950123, MeSH D030342.

Allele frequency attached by ClinVar (database versions not stated): TOPMed 0.00001.

Submissions (2):

Ambry Genetics
Classification: Uncertain significance for Inborn genetic diseases. Last evaluated: 2025-05-02. Review status: criteria provided, single submitter. Criteria: Ambry Variant Classification Scheme 2023. Collection method: clinical testing. Allele origin: germline.
Comment: The p.S343T variant (also known as c.1028G>C), located in coding exon 9 of the CEP57 gene, results from a G to C substitution at nucleotide position 1028. The serine at codon 343 is replaced by threonine, an amino acid with similar properties. This amino acid position is conserved. In addition, this alteration is predicted to be tolerated by in silico analysis. Based on the available evidence, the clinical significance of this variant remains unclear.

Labcorp Genetics (formerly Invitae), Labcorp
Classification: Uncertain significance for Mosaic variegated aneuploidy syndrome 2. Last evaluated: 2020-09-04. Review status: criteria provided, single submitter. Criteria: Invitae Variant Classification Sherloc (09022015). Collection method: clinical testing. Allele origin: germline.
Comment: In summary, the available evidence is currently insufficient to determine the role of this variant in disease. Therefore, it has been classified as a Variant of Uncertain Significance. Algorithms developed to predict the effect of missense changes on protein structure and function (SIFT, PolyPhen-2, Align-GVGD) all suggest that this variant is likely to be tolerated, but these predictions have not been confirmed by published functional studies and their clinical significance is uncertain. This variant has not been reported in the literature in individuals with CEP57-related conditions. This variant is not present in population databases (ExAC no frequency). This sequence change replaces serine with threonine at codon 343 of the CEP57 protein (p.Ser343Thr). The serine residue is moderately conserved and there is a small physicochemical difference between serine and threonine.